The following is an entry in ClinVar:

NM_000535.7(PMS2):c.5A>G (p.Glu2Gly)

Gene: PMS2 (PMS1 homolog 2, mismatch repair system component; minus strand). Cytogenetic location: 7p22.1.
Variant type: single nucleotide variant.
Coding change: c.5A>G on transcript NM_000535.7 (MANE Select); coding-DNA position 5, A replaced by G.
Protein change: p.Glu2Gly; replaces glutamic acid 2 with glycine.
Molecular consequence: missense variant. On other transcripts: 5 prime UTR variant (11), non-coding transcript variant (1).
Genome position (GRCh38, 1-based): chr7:6,009,015, T>C on the plus strand (A>G on the coding strand, the complement: PMS2 is on the minus strand). VCF-style: chr7-6009015-T-C. GRCh37 (hg19) VCF-style: chr7-6048646-T-C.
Other names: c.5A>G (NM_000535.6); c.-396A>G (NM_001322003.2, NM_001322013.2); c.-261A>G (NM_001322004.2, NM_001322010.2); c.-591A>G (NM_001322005.2); c.5A>G, p.Glu2Gly (NM_001322006.2, NM_001322014.2); c.-211A>G (NM_001322007.2); c.-71A>G (NM_001322008.2); c.-586A>G (NM_001322009.2); and 3 more; short protein forms E2G.
Identifiers: ClinVar variation 229843 (VCV000229843.24), dbSNP rs876658233, ClinGen allele CA10578737.

ClinVar aggregate classification (germline): Conflicting classifications of pathogenicity. Review status: criteria provided, conflicting classifications (1 of 4 stars). 7 submissions from 7 submitters: Uncertain significance (5); Likely benign (1). 1 of the submissions does not count toward it. Last evaluated 2026-01-12.

Conditions:
Hereditary cancer-predisposing syndrome. Also called: Neoplastic Syndromes, Hereditary; Hereditary Cancer Syndrome; Tumor predisposition; Hereditary neoplastic syndrome. Identifiers: Orphanet 140162, MedGen C0027672, MeSH D009386, MONDO:0015356.
Malignant tumor of breast. Also called: Cancer breast; Malignant breast neoplasm. Identifiers: MedGen C0006142, MONDO:0007254. Disease mechanism: loss of function.
Hereditary nonpolyposis colorectal neoplasms. Identifiers: MedGen C0009405, MeSH D003123.
Breast and/or ovarian cancer. Identifiers: MedGen CN221562.

Allele frequency attached by ClinVar (database versions not stated): gnomAD exomes 0.00001 and below 0.00001.
gnomAD v4.1: 11 of 1,612,542 alleles (0.00068%); highest among the groups gnomAD compares: Non-Finnish European, 0.00093%; no homozygotes.

Submissions (7):

Labcorp Genetics (formerly Invitae), Labcorp
Classification: Likely benign for Hereditary nonpolyposis colorectal neoplasms. Last evaluated: 2026-01-12. Review status: criteria provided, single submitter. Criteria: Invitae Variant Classification Sherloc (09022015). Collection method: clinical testing. Allele origin: germline.

Ambry Genetics
Classification: Uncertain significance for Hereditary cancer-predisposing syndrome. Last evaluated: 2024-09-04. Review status: criteria provided, single submitter. Criteria: Ambry Variant Classification Scheme 2023. Collection method: clinical testing. Allele origin: germline.
Comment: The p.E2G variant (also known as c.5A>G), located in coding exon 1 of the PMS2 gene, results from an A to G substitution at nucleotide position 5. The glutamic acid at codon 2 is replaced by glycine, an amino acid with similar properties. This variant was observed in 2/3251 individuals who met eligibility criteria for hereditary breast and ovarian cancer syndrome (Lerner-Ellis J et al. J Cancer Res Clin Oncol, 2021 Mar;147:871-879). This amino acid position is well conserved in available vertebrate species. In addition, this alteration is predicted to be deleterious by in silico analysis. Based on the available evidence, the clinical significance of this variant remains unclear.

Blueprint Genetics
Classification: Uncertain significance. Last evaluated: 2024-08-29. Review status: criteria provided, single submitter. Criteria: ACMG Guidelines, 2015. Collection method: clinical testing. Allele origin: germline.

Quest Diagnostics Nichols Institute San Juan Capistrano
Classification: Uncertain significance. Last evaluated: 2023-09-26. Review status: criteria provided, single submitter. Criteria: Quest Diagnostics criteria. Collection method: clinical testing. Allele origin: unknown.

CHEO Genetics Diagnostic Laboratory, Children's Hospital of Eastern Ontario
Classification: Uncertain significance for Breast and/or ovarian cancer. Last evaluated: 2022-09-16. Review status: criteria provided, single submitter. Criteria: ACMG Guidelines, 2015. Collection method: clinical testing. Allele origin: germline.

GeneDx
Classification: Uncertain significance. Last evaluated: 2021-03-18. Review status: criteria provided, single submitter. Criteria: GeneDx Variant Classification Process June 2021. Collection method: clinical testing. Allele origin: germline. Affected: yes.
Comment: Not observed at a significant frequency in large population cohorts (Lek et al., 2016); In silico analysis supports that this missense variant does not alter protein structure/function; Observed in individuals with breast cancer (Lerner-Ellis 2020); This variant is associated with the following publications: (PMID: 31784482)

Department of Pathology and Laboratory Medicine, Sinai Health System
Classification: Uncertain significance for Malignant tumor of breast. Review status: no assertion criteria provided. Collection method: clinical testing. Allele origin: unknown. Affected: yes. Observed: 1 variant allele. Study: The Canadian Open Genetics Repository (COGR). Not counted in ClinVar's aggregate classification.
Comment: The PMS2 p.Glu2Gly variant was not identified in the literature nor was it identified in the COGR, MutDB, Zhejiang University Database, Mismatch Repair Genes Variant Database, or the Insight Hereditary Tumors database. The variant was identified in dbSNP (ID: rs876658233) as "With Uncertain significance allele ", and in ClinVar (classified as uncertain significance by Ambry Genetics and Invitae). The variant was identified in control databases in 1 of 245330 chromosomes at a frequency of 0.000004 (Genome Aggregation Database Feb 27, 2017). The variant was observed in the European population in 1 of 110950 chromosomes (freq: 0.000009), but not in the African, Other, Latino, Ashkenazi Jewish, East Asian, Finnish, or South Asian populations. The p.Glu2 residue is conserved in mammals and computational analyses (PolyPhen-2, SIFT, AlignGVGD, BLOSUM, MutationTaster) provide inconsistent predictions regarding the impact to the protein; this information is not very predictive of pathogenicity. The variant occurs outside of the splicing consensus sequence and in silico or computational prediction software programs (SpliceSiteFinder, MaxEntScan, NNSPLICE, GeneSplicer) do not predict a difference in splicing. In summary, based on the above information the clinical significance of this variant cannot be determined with certainty at this time. This variant is classified as a variant of uncertain significance.

Literature cited by the submitters: PubMed 31784482 (cited by Ambry Genetics and Quest Diagnostics Nichols Institute San Juan Capistrano); PubMed 32885271 (cited by Ambry Genetics and Quest Diagnostics Nichols Institute San Juan Capistrano).